The following is an entry in ClinVar:

ClinVar aggregate classification (germline): Uncertain significance. Review status: criteria provided, multiple submitters, no conflicts (2 of 4 stars). 2 submissions from 2 submitters: Uncertain significance (2). Last evaluated 2025-12-29.

gnomAD v4.1: 3 of 1,614,030 alleles (0.00019%); highest among the groups gnomAD compares: African/African-American, 0.004%; no homozygotes.

Submissions (2):

Dasa
Classification: Uncertain significance. Last evaluated: 2025-12-29. Review status: criteria provided, single submitter. Criteria: DASA Assertion Criteria. Collection method: clinical testing. Allele origin: germline.
Comment: NM_000112.4(SLC26A2):c.344G>C (p.Gly115Ala) is a missense variant that results in the substitution of glycine with alanine. This variant has been reported in individuals with SLC26A2-related disorders (PMID: 36660027). Also, this variant is rare in population databases. Computational prediction algorithms are consistent with a deleterious effect. The currently available literature and clinical evidence are not sufficient to establish a definitive association between this variant and the reported condition. Therefore, this variant is classified as a variant of uncertain significance.

Women's Health and Genetics/Laboratory Corporation of America, LabCorp
Classification: Uncertain significance. Last evaluated: 2024-12-05. Review status: criteria provided, single submitter. Criteria: LabCorp Variant Classification Summary - May 2015. Collection method: clinical testing. Allele origin: germline.
Comment: Variant summary: SLC26A2 c.344G>C (p.Gly115Ala) results in a non-conservative amino acid change in the encoded protein sequence. Five of five in-silico tools predict a damaging effect of the variant on protein function. The variant allele was found at a frequency of 4e-06 in 250934 control chromosomes (gnomAD). The available data on variant occurrences in the general population are insufficient to allow any conclusion about variant significance. c.344G>C has been reported in the literature in one individual affected with diastrophic dysplasia (Silveira_2022). These data do not allow any conclusion about variant significance. To our knowledge, no experimental evidence demonstrating an impact on protein function has been reported. The following publication have been ascertained in the context of this evaluation (PMID: 36660027). No submitters have cited clinical-significance assessments for this variant to ClinVar. Based on the evidence outlined above, the variant was classified as uncertain significance.

Literature cited by the submitters: PubMed 36660027 (cited by Dasa and Women's Health and Genetics/Laboratory Corporation of America, LabCorp).

NM_000112.4(SLC26A2):c.344G>C (p.Gly115Ala)

Gene: SLC26A2 (solute carrier family 26 member 2; plus strand). Cytogenetic location: 5q32.
Variant type: single nucleotide variant.
Coding change: c.344G>C on transcript NM_000112.4 (MANE Select); coding-DNA position 344, G replaced by C.
Protein change: p.Gly115Ala; replaces glycine 115 with alanine.
Molecular consequence: missense variant.
Genome position (GRCh38, 1-based): chr5:149,977,996, G>C. VCF-style: chr5-149977996-G-C. GRCh37 (hg19) VCF-style: chr5-149357559-G-C.
Other names: short protein forms G115A.
Identifiers: ClinVar variation 3768241 (VCV003768241.3).